The following is an entry in ClinVar:

NM_033360.4(KRAS):c.559A>G (p.Ile187Val)

Gene: KRAS (KRAS proto-oncogene, GTPase; minus strand). Cytogenetic location: 12p12.1.
Variant type: single nucleotide variant.
Coding change: c.559A>G on transcript NM_033360.4 (MANE Plus Clinical); coding-DNA position 559, A replaced by G.
Protein change: p.Ile187Val; replaces isoleucine 187 with valine.
Molecular consequence: missense variant. On other transcripts: intron variant (2).
Genome position (GRCh38, 1-based): chr12:25,215,452, T>C on the plus strand (A>G on the coding strand, the complement: KRAS is on the minus strand). VCF-style: chr12-25215452-T-C. GRCh37 (hg19) VCF-style: chr12-25368386-T-C.
Other names: c.559A>G, p.Ile187Val (NM_001369786.1); c.451-5541A>G (NM_001369787.1, NM_004985.5); short protein forms I187V.
Identifiers: ClinVar variation 1028518 (VCV001028518.2), dbSNP rs779951033, ClinGen allele CA6486850.

ClinVar aggregate classification (germline): Uncertain significance (1 of 4 stars; one submission).

Conditions:
Autoimmune lymphoproliferative syndrome type 4. Also called: AUTOIMMUNE LYMPHOPROLIFERATIVE SYNDROME, TYPE IV; RAS-associated autoimmune leukoproliferative disorder. Identifiers: Orphanet 268114, MedGen C2674723, MONDO:0013767, OMIM 614470.

Allele frequency attached by ClinVar (database versions not stated): gnomAD exomes below 0.00001; ExAC 0.00001.
gnomAD v4.1: 4 of 1,613,078 alleles (0.00025%); highest among the groups gnomAD compares: Admixed American, 0.0033%; no homozygotes.

Submission:

Baylor Genetics
Classification: Uncertain significance for Autoimmune lymphoproliferative syndrome type 4. Last evaluated: 2019-07-23. Review status: criteria provided, single submitter. Criteria: ACMG Guidelines, 2015. Collection method: clinical testing. Allele origin: unknown. Affected: yes.
Comment: This variant was determined to be of uncertain significance according to ACMG Guidelines, 2015 [PMID:25741868].